The following is an entry in ClinVar:

NM_014740.4(EIF4A3):c.810C>T (p.Asp270=)

Gene: EIF4A3 (eukaryotic translation initiation factor 4A3; minus strand). Cytogenetic location: 17q25.3.
Variant type: single nucleotide variant.
Coding change: c.810C>T on transcript NM_014740.4 (MANE Select); coding-DNA position 810, C replaced by T.
Protein change: p.Asp270=; no amino-acid change (aspartic acid 270 retained).
Molecular consequence: synonymous variant.
Genome position (GRCh38, 1-based): chr17:80,138,199, G>A on the plus strand (C>T on the coding strand, the complement: EIF4A3 is on the minus strand). VCF-style: chr17-80138199-G-A. GRCh37 (hg19) VCF-style: chr17-78111998-G-A.
Other names: c.747C>T, p.Asp249= (NM_001411099.1).
Identifiers: ClinVar variation 3047790 (VCV003047790.2), dbSNP rs1302322210, ClinGen allele CA502173955.

ClinVar aggregate classification (germline): Likely benign (0 of 4 stars; one submission).

Conditions:
EIF4A3-related disorder. Also called: EIF4A3-related condition.

Allele frequency attached by ClinVar (database versions not stated): TOPMed below 0.00001; gnomAD exomes 0.00001.
gnomAD v4.1: 15 of 1,614,120 alleles (0.00093%); highest among the groups gnomAD compares: South Asian, 0.015%; no homozygotes.

Submission:

PreventionGenetics, part of Exact Sciences
Classification: Likely benign for EIF4A3-related condition. Last evaluated: 2019-04-05. Review status: no assertion criteria provided. Collection method: clinical testing. Allele origin: germline.
Comment: This variant is classified as likely benign based on ACMG/AMP sequence variant interpretation guidelines (Richards et al. 2015 PMID: 25741868, with internal and published modifications).